The following is an entry in ClinVar:

NM_000239.3(LYZ):c.244T>A (p.Trp82Arg)

Gene: LYZ (lysozyme; plus strand). Cytogenetic location: 12q15.
Variant type: single nucleotide variant.
Coding change: c.244T>A on transcript NM_000239.3 (MANE Select); coding-DNA position 244, T replaced by A.
Protein change: p.Trp82Arg; replaces tryptophan 82 with arginine.
Molecular consequence: missense variant.
Genome position (GRCh38, 1-based): chr12:69,350,215, T>A. VCF-style: chr12-69350215-T-A. GRCh37 (hg19) VCF-style: chr12-69743995-T-A.
Other names: LYZ, TRP64ARG, T-A; W64R.
Identifiers: ClinVar variation 14378 (VCV000014378.5), dbSNP rs387906536, ClinGen allele CA123912.

ClinVar aggregate classification (germline): Pathogenic. Review status: criteria provided, single submitter (1 of 4 stars). 2 submissions from 2 submitters: Pathogenic (1). 1 of the submissions does not count toward it. Last evaluated 2025-11-17.

Conditions:
Familial visceral amyloidosis, Ostertag type (AMYLD2). Also called: Amyloidosis, hepatic and systemic; Ostertag type amyloidosis; AMYLOIDOSIS, HEREDITARY SYSTEMIC 2; AMYLOIDOSIS VIII; Hereditary Renal Amyloidosis; Familial visceral amyloidosis. Identifiers: Orphanet 85450, MedGen C0268389, MONDO:0007099, OMIM 105200.

Submissions (2):

Labcorp Genetics (formerly Invitae), Labcorp
Classification: Pathogenic. Last evaluated: 2025-11-17. Review status: criteria provided, single submitter. Criteria: Invitae Variant Classification Sherloc (09022015). Collection method: clinical testing. Allele origin: germline.
Comment: This sequence change replaces tryptophan, which is neutral and slightly polar, with arginine, which is basic and polar, at codon 82 of the LYZ protein (p.Trp82Arg). This variant is not present in population databases (gnomAD no frequency). This missense change has been observed in individuals with gastrointestinal amyloidosis (PMID: 12360495, 25217048). It has also been observed to segregate with disease in related individuals. This variant is also known as W64R. ClinVar contains an entry for this variant (Variation ID: 14378). An algorithm developed to predict the effect of missense changes on protein structure and function (PolyPhen-2) suggests that this variant is likely to be disruptive. For these reasons, this variant has been classified as Pathogenic.

OMIM
Classification: Pathogenic for AMYLOIDOSIS, FAMILIAL VISCERAL. Last evaluated: 2006-01-01. Review status: no assertion criteria provided. Collection method: literature only. Allele origin: germline. Not counted in ClinVar's aggregate classification.

Literature cited by the submitters: PubMed 12360495 (cited by Labcorp Genetics (formerly Invitae), Labcorp and OMIM); PubMed 25217048 (cited by Labcorp Genetics (formerly Invitae), Labcorp); PubMed 15745733 (cited by OMIM); Grateau, G. Personal Communication. 2006. Paris, France (cited by OMIM); PubMed 16523055 (cited by OMIM).